The following is an entry in ClinVar:

NM_001197104.2(KMT2A):c.10367A>G (p.Gln3456Arg)

Gene: KMT2A (lysine methyltransferase 2A; plus strand). Cytogenetic location: 11q23.3.
Variant type: single nucleotide variant.
Coding change: c.10367A>G on transcript NM_001197104.2 (MANE Select); coding-DNA position 10367, A replaced by G.
Protein change: p.Gln3456Arg; replaces glutamine 3456 with arginine.
Molecular consequence: missense variant.
Genome position (GRCh38, 1-based): chr11:118,506,259, A>G. VCF-style: chr11-118506259-A-G. GRCh37 (hg19) VCF-style: chr11-118376974-A-G.
Other names: c.10457A>G, p.Gln3486Arg (NM_001412597.1); c.10358A>G, p.Gln3453Arg (NM_005933.4); short protein forms Q3453R, Q3456R, Q3486R.
Identifiers: ClinVar variation 1719713 (VCV001719713.5), dbSNP rs2497030002, ClinGen allele CA382825501.

ClinVar aggregate classification (germline): Uncertain significance (1 of 4 stars; one submission).

Submission:

Labcorp Genetics (formerly Invitae), Labcorp
Classification: Uncertain significance. Last evaluated: 2022-09-18. Review status: criteria provided, single submitter. Criteria: Invitae Variant Classification Sherloc (09022015). Collection method: clinical testing. Allele origin: germline.
Comment: This sequence change replaces glutamine, which is neutral and polar, with arginine, which is basic and polar, at codon 3456 of the KMT2A protein (p.Gln3456Arg). This variant is not present in population databases (gnomAD no frequency). This variant has not been reported in the literature in individuals affected with KMT2A-related conditions. In summary, the available evidence is currently insufficient to determine the role of this variant in disease. Therefore, it has been classified as a Variant of Uncertain Significance. Advanced modeling of protein sequence and biophysical properties (such as structural, functional, and spatial information, amino acid conservation, physicochemical variation, residue mobility, and thermodynamic stability) performed at Invitae indicates that this missense variant is not expected to disrupt KMT2A protein function.